The following is an entry in ClinVar:

ClinVar aggregate classification (germline): Uncertain significance (1 of 4 stars; one submission).

Allele frequency attached by ClinVar (database versions not stated): gnomAD exomes below 0.00001.
gnomAD v4.1: 1 of 1,614,086 alleles (0.000062%); highest among the groups gnomAD compares: Non-Finnish European, 0.000085%; no homozygotes.

Submission:

Labcorp Genetics (formerly Invitae), Labcorp
Classification: Uncertain significance. Last evaluated: 2022-08-09. Review status: criteria provided, single submitter. Criteria: Invitae Variant Classification Sherloc (09022015). Collection method: clinical testing. Allele origin: germline.
Comment: This variant has not been reported in the literature in individuals affected with ABCA1-related conditions. This variant is not present in population databases (gnomAD no frequency). This sequence change falls in intron 36 of the ABCA1 gene. It does not directly change the encoded amino acid sequence of the ABCA1 protein. It affects a nucleotide within the consensus splice site. In summary, the available evidence is currently insufficient to determine the role of this variant in disease. Therefore, it has been classified as a Variant of Uncertain Significance. Variants that disrupt the consensus splice site are a relatively common cause of aberrant splicing (PMID: 17576681, 9536098). Algorithms developed to predict the effect of sequence changes on RNA splicing suggest that this variant may create or strengthen a splice site. ClinVar contains an entry for this variant (Variation ID: 1508885).

Literature cited by the submitters: PubMed 17576681; PubMed 9536098.

NM_005502.4(ABCA1):c.4943+6T>A

Gene: ABCA1 (ATP binding cassette subfamily A member 1; minus strand). Cytogenetic location: 9q31.1.
Variant type: single nucleotide variant.
Coding change: c.4943+6T>A on transcript NM_005502.4 (MANE Select); 6 bases into the intron after coding-DNA position 4943, T replaced by A.
Molecular consequence: intron variant.
Genome position (GRCh38, 1-based): chr9:104,799,813, A>T on the plus strand (T>A on the coding strand, the complement: ABCA1 is on the minus strand). VCF-style: chr9-104799813-A-T. GRCh37 (hg19) VCF-style: chr9-107562094-A-T.
Identifiers: ClinVar variation 1508885 (VCV001508885.6), dbSNP rs2118890017, ClinGen allele CA2573143705.